The following is an entry in ClinVar:

ClinVar aggregate classification (germline): Uncertain significance (1 of 4 stars; one submission).

Conditions:
Malignant hyperthermia, susceptibility to, 1 (MHS1). Also called: Anesthesia related hyperthermia; Malignant hyperpyrexia; Fulminating hyperpyrexia; Pharmacogenic myopathy; RYR1-Related Malignant Hyperthermia Susceptibility; Malignant hyperthermia suceptibility 1. Identifiers: Orphanet 423, MedGen C2930980, MONDO:0007783, OMIM 145600.

Submission:

All of Us Research Program, National Institutes of Health
Classification: Uncertain significance for Malignant hyperthermia, susceptibility to, 1. Last evaluated: 2024-09-23. Review status: criteria provided, single submitter. Criteria: ACMG Guidelines, 2015. Collection method: clinical testing. Allele origin: germline. Inheritance: Autosomal dominant inheritance. Observed: 1 variant allele, 1 heterozygote.
Comment: This study involves interpretation of variants in research participants for the purpose of population health screening. Participant phenotype was not available at the time of variant classification. Additional details can be found in publication PMID: 35346344, PMCID: PMC8962531

NM_000540.3(RYR1):c.4199A>G (p.Gln1400Arg)

Gene: RYR1 (ryanodine receptor 1; plus strand). Cytogenetic location: 19q13.2.
Variant type: single nucleotide variant.
Coding change: c.4199A>G on transcript NM_000540.3 (MANE Select); coding-DNA position 4199, A replaced by G.
Protein change: p.Gln1400Arg; replaces glutamine 1400 with arginine.
Molecular consequence: missense variant.
Genome position (GRCh38, 1-based): chr19:38,475,356, A>G. VCF-style: chr19-38475356-A-G. GRCh37 (hg19) VCF-style: chr19-38965996-A-G.
Other names: c.4199A>G, p.Gln1400Arg (NM_001042723.2); short protein forms Q1400R.
Identifiers: ClinVar variation 3387705 (VCV003387705.1).